The following is an entry in ClinVar:

ClinVar aggregate classification (germline): Uncertain significance (1 of 4 stars; one submission).

Allele frequency attached by ClinVar (database versions not stated): gnomAD 0.00003; TOPMed 0.00006.
gnomAD v4.1: 12 of 1,614,012 alleles (0.00074%); highest among the groups gnomAD compares: African/African-American, 0.0027%; no homozygotes.

Submission:

Labcorp Genetics (formerly Invitae), Labcorp
Classification: Uncertain significance. Last evaluated: 2023-05-29. Review status: criteria provided, single submitter. Criteria: Invitae Variant Classification Sherloc (09022015). Collection method: clinical testing. Allele origin: germline.
Comment: Advanced modeling of protein sequence and biophysical properties (such as structural, functional, and spatial information, amino acid conservation, physicochemical variation, residue mobility, and thermodynamic stability) performed at Invitae indicates that this missense variant is not expected to disrupt MMP14 protein function. In summary, the available evidence is currently insufficient to determine the role of this variant in disease. Therefore, it has been classified as a Variant of Uncertain Significance. This variant has not been reported in the literature in individuals affected with MMP14-related conditions. This variant is present in population databases (rs777838822, gnomAD 0.002%). This sequence change replaces proline, which is neutral and non-polar, with serine, which is neutral and polar, at codon 356 of the MMP14 protein (p.Pro356Ser).

NM_004995.4(MMP14):c.1066C>T (p.Pro356Ser)

Gene: MMP14 (matrix metallopeptidase 14; plus strand). Cytogenetic location: 14q11.2.
Variant type: single nucleotide variant.
Coding change: c.1066C>T on transcript NM_004995.4 (MANE Select); coding-DNA position 1066, C replaced by T.
Protein change: p.Pro356Ser; replaces proline 356 with serine.
Molecular consequence: missense variant.
Genome position (GRCh38, 1-based): chr14:22,844,425, C>T. VCF-style: chr14-22844425-C-T. GRCh37 (hg19) VCF-style: chr14-23313634-C-T.
Other names: short protein forms P356S.
Identifiers: ClinVar variation 3022500 (VCV003022500.3), dbSNP rs777838822, ClinGen allele CA7105356.